The following is an entry in ClinVar:

ClinVar aggregate classification (germline): Uncertain significance (1 of 4 stars; one submission).

Conditions:
PLXNA4-related disorder. Also called: PLXNA4-related condition.

gnomAD v4.1: 2 of 1,613,960 alleles (0.00012%); highest among the groups gnomAD compares: African/African-American, 0.0027%; no homozygotes.

Submission:

PreventionGenetics, part of Exact Sciences
Classification: Uncertain significance for PLXNA4-related condition. Last evaluated: 2026-09-26. Review status: criteria provided, single submitter. Criteria: ACMG Guidelines, 2015. Collection method: clinical testing. Allele origin: germline.
Comment: The PLXNA4 c.2825T>C variant is predicted to result in the amino acid substitution p.Met942Thr. To our knowledge, this variant has not been reported in the literature. This variant is reported in 0.0041% of alleles in individuals of African descent in gnomAD. At this time, the clinical significance of this variant is uncertain due to the absence of conclusive functional and genetic evidence.

NM_020911.2(PLXNA4):c.2825T>C (p.Met942Thr)

Gene: PLXNA4 (plexin A4; minus strand). Cytogenetic location: 7q32.3.
Variant type: single nucleotide variant.
Coding change: c.2825T>C on transcript NM_020911.2 (MANE Select); coding-DNA position 2825, T replaced by C.
Protein change: p.Met942Thr; replaces methionine 942 with threonine.
Molecular consequence: missense variant.
Genome position (GRCh38, 1-based): chr7:132,194,093, A>G on the plus strand (T>C on the coding strand, the complement: PLXNA4 is on the minus strand). VCF-style: chr7-132194093-A-G. GRCh37 (hg19) VCF-style: chr7-131878852-A-G.
Other names: c.2825T>C, p.Met942Thr (NM_001393897.1); short protein forms M942T.
Identifiers: ClinVar variation 4985697 (VCV004985697.1).